The following is an entry in ClinVar:

NM_001110556.2(FLNA):c.3794T>C (p.Ile1265Thr)

Gene: FLNA (filamin A; minus strand). Cytogenetic location: Xq28.
Variant type: single nucleotide variant.
Coding change: c.3794T>C on transcript NM_001110556.2 (MANE Select); coding-DNA position 3794, T replaced by C.
Protein change: p.Ile1265Thr; replaces isoleucine 1265 with threonine.
Molecular consequence: missense variant.
Genome position (GRCh38, 1-based): chrX:154,360,001, A>G on the plus strand (T>C on the coding strand, the complement: FLNA is on the minus strand). VCF-style: chrX-154360001-A-G. GRCh37 (hg19) VCF-style: chrX-153588369-A-G.
Other names: c.3794T>C, p.Ile1265Thr (NM_001456.4); short protein forms I1265T.
Identifiers: ClinVar variation 4537692 (VCV004537692.1).

ClinVar aggregate classification (germline): Uncertain significance (1 of 4 stars; one submission).

Submission:

GeneDx
Classification: Uncertain significance. Last evaluated: 2025-06-11. Review status: criteria provided, single submitter. Criteria: GeneDx Variant Classification Process June 2021. Collection method: clinical testing. Allele origin: germline. Affected: yes.
Comment: Not observed at significant frequency in large population cohorts (gnomAD); In silico analysis supports that this missense variant has a deleterious effect on protein structure/function; Has not been previously published as pathogenic or benign to our knowledge